The following is an entry in ClinVar:

ClinVar aggregate classification (germline): Uncertain significance. Review status: criteria provided, multiple submitters, no conflicts (2 of 4 stars). 2 submissions from 2 submitters: Uncertain significance (2). Last evaluated 2024-10-19.

Conditions:
Multiple endocrine neoplasia, type 2 (MEN2). Identifiers: Orphanet 653, MedGen C4048306, MONDO:0019003. Disease mechanism: gain of function.
Hereditary cancer-predisposing syndrome. Also called: Tumor predisposition; Hereditary neoplastic syndrome; Neoplastic Syndromes, Hereditary; Hereditary Cancer Syndrome. Identifiers: Orphanet 140162, MedGen C0027672, MeSH D009386, MONDO:0015356.

Submissions (2):

Labcorp Genetics (formerly Invitae), Labcorp
Classification: Uncertain significance for Multiple endocrine neoplasia, type 2. Last evaluated: 2024-10-19. Review status: criteria provided, single submitter. Criteria: Invitae Variant Classification Sherloc (09022015). Collection method: clinical testing. Allele origin: germline.
Comment: This sequence change replaces glycine, which is neutral and non-polar, with serine, which is neutral and polar, at codon 828 of the RET protein (p.Gly828Ser). This variant is not present in population databases (gnomAD no frequency). This variant has not been reported in the literature in individuals affected with RET-related conditions. ClinVar contains an entry for this variant (Variation ID: 860012). An algorithm developed to predict the effect of missense changes on protein structure and function outputs the following: PolyPhen-2: "Benign". The serine amino acid residue is found in multiple mammalian species, which suggests that this missense change does not adversely affect protein function. In summary, the available evidence is currently insufficient to determine the role of this variant in disease. Therefore, it has been classified as a Variant of Uncertain Significance.

Ambry Genetics
Classification: Uncertain significance for Hereditary cancer-predisposing syndrome. Last evaluated: 2023-11-16. Review status: criteria provided, single submitter. Criteria: Ambry Variant Classification Scheme 2023. Collection method: clinical testing. Allele origin: germline.
Comment: The p.G828S variant (also known as c.2482G>A), located in coding exon 14 of the RET gene, results from a G to A substitution at nucleotide position 2482. The glycine at codon 828 is replaced by serine, an amino acid with similar properties. This amino acid position is conserved. In addition, this alteration is predicted to be tolerated by in silico analysis. Since supporting evidence is limited at this time, the clinical significance of this alteration remains unclear.

NM_020975.6(RET):c.2482G>A (p.Gly828Ser)

Gene: RET (ret proto-oncogene; plus strand). Cytogenetic location: 10q11.21.
Variant type: single nucleotide variant.
Coding change: c.2482G>A on transcript NM_020975.6 (MANE Select); coding-DNA position 2482, G replaced by A.
Protein change: p.Gly828Ser; replaces glycine 828 with serine.
Molecular consequence: missense variant.
Genome position (GRCh38, 1-based): chr10:43,119,620, G>A. VCF-style: chr10-43119620-G-A. GRCh37 (hg19) VCF-style: chr10-43615068-G-A.
Other names: c.2482G>A, p.Gly828Ser (NM_000323.2, NM_001406743.1, NM_001406744.1 and 4 more transcripts); c.1720G>A, p.Gly574Ser (NM_001355216.2); c.2353G>A, p.Gly785Ser (NM_001406761.1, NM_001406762.1, NM_001406764.1); c.2347G>A, p.Gly783Ser (NM_001406763.1, NM_001406765.1); c.2194G>A, p.Gly732Ser (NM_001406766.1, NM_001406767.1, NM_001406770.1); c.2218G>A, p.Gly740Ser (NM_001406768.1); c.2086G>A, p.Gly696Ser (NM_001406769.1, NM_001406772.1); c.2044G>A, p.Gly682Ser (NM_001406771.1, NM_001406773.1); and 10 more; short protein forms G828S, G574S, G484S, G498S, G586S, G732S, G393S, G433S.
Identifiers: ClinVar variation 860012 (VCV000860012.11), dbSNP rs912196017, ClinGen allele CA376556336.
Genomic context (GRCh38, chr10:43,119,620, plus strand): 5'-AAATACGGCTCCCTGCGGGGCTTCCTCCGCGAGAGCCGCAAAGTGGGGCCTGGCTACCTG[G>A]GCAGTGGAGGCAGCCGCAACTCCAGCTCCCTGGACCACCCGGATGAGCGGGCCCTCACCA-3'
Protein context (NP_066124.1, residues 818-838): ESRKVGPGYL[Gly828Ser]SGGSRNSSSL